The following is an entry in ClinVar:

ClinVar aggregate classification (germline): Uncertain significance. Review status: criteria provided, multiple submitters, no conflicts (2 of 4 stars). 2 submissions from 2 submitters: Uncertain significance (2). Last evaluated 2025-08-30.

Conditions:
Familial thoracic aortic aneurysm and aortic dissection (TAAD). Also called: Thoracic aortic aneurysms and dissections. Identifiers: Orphanet 91387, MedGen C4707243, MONDO:0019625.

gnomAD v4.1: 4 of 1,613,936 alleles (0.00025%); highest among the groups gnomAD compares: Non-Finnish European, 0.00034%; no homozygotes.

Submissions (2):

Color Diagnostics, LLC DBA Color Health
Classification: Uncertain significance for Familial thoracic aortic aneurysm and aortic dissection. Last evaluated: 2025-08-30. Review status: criteria provided, single submitter. Criteria: ACMG Guidelines, 2015. Collection method: clinical testing. Allele origin: germline.
Comment: This missense variant replaces glycine with valine at codon 393 of the MYH11 protein. Computational prediction suggests that this variant may have deleterious impact on protein structure and function. To our knowledge, functional studies have not been reported for this variant. This variant has not been reported in individuals affected with MYH11-related disorders in the literature. This variant has been identified in 1/251492 chromosomes in the general population by the Genome Aggregation Database (gnomAD). The available evidence is insufficient to determine the role of this variant in disease conclusively. Therefore, this variant is classified as a Variant of Uncertain Significance.

GeneDx
Classification: Uncertain significance. Last evaluated: 2025-06-07. Review status: criteria provided, single submitter. Criteria: GeneDx Variant Classification Process June 2021. Collection method: clinical testing. Allele origin: germline. Affected: yes.
Comment: Not observed at significant frequency in large population cohorts (gnomAD); In silico analysis supports that this missense variant has a deleterious effect on protein structure/function; Has not been previously published as pathogenic or benign to our knowledge

NM_002474.3(MYH11):c.1157G>T (p.Gly386Val)

Gene: MYH11 (myosin heavy chain 11; minus strand). Cytogenetic location: 16p13.11.
Variant type: single nucleotide variant.
Coding change: c.1157G>T on transcript NM_002474.3 (MANE Select); coding-DNA position 1157, G replaced by T.
Protein change: p.Gly386Val; replaces glycine 386 with valine.
Molecular consequence: missense variant.
Genome position (GRCh38, 1-based): chr16:15,760,631, C>A on the plus strand (G>T on the coding strand, the complement: MYH11 is on the minus strand). VCF-style: chr16-15760631-C-A. GRCh37 (hg19) VCF-style: chr16-15854488-C-A.
Other names: c.1178G>T, p.Gly393Val (NM_001040113.2, NM_001040114.2); c.1157G>T, p.Gly386Val (NM_022844.3); short protein forms G386V, G393V.
Identifiers: ClinVar variation 4538039 (VCV004538039.2).